The following is an entry in ClinVar:

NM_005548.3(KARS1):c.1607C>T (p.Ala536Val)

Gene: KARS1 (lysyl-tRNA synthetase 1; minus strand). Cytogenetic location: 16q23.1.
Variant type: single nucleotide variant.
Coding change: c.1607C>T on transcript NM_005548.3 (MANE Select); coding-DNA position 1607, C replaced by T.
Protein change: p.Ala536Val; replaces alanine 536 with valine.
Molecular consequence: missense variant.
Genome position (GRCh38, 1-based): chr16:75,628,657, G>A on the plus strand (C>T on the coding strand, the complement: KARS1 is on the minus strand). VCF-style: chr16-75628657-G-A. GRCh37 (hg19) VCF-style: chr16-75662555-G-A.
Other names: c.1691C>T, p.Ala564Val (NM_001130089.2); c.1139C>T, p.Ala380Val (NM_001378148.1); short protein forms A380V, A536V, A564V.
Identifiers: ClinVar variation 4293409 (VCV004293409.1).

ClinVar aggregate classification (germline): Uncertain significance (1 of 4 stars; one submission).

Conditions:
KARS1-related disorder. Also called: KARS1-related disorders.

gnomAD v4.1: 1 of 1,614,038 alleles (0.000062%); no homozygotes.

Submission:

3billion
Classification: Uncertain significance for KARS1-related disorder. Last evaluated: 2024-11-08. Review status: criteria provided, single submitter. Criteria: ACMG Guidelines, 2015. Collection method: clinical testing. Allele origin: germline. Affected: yes.
Comment: The variant is observed at an extremely low frequency in the gnomAD v4.1.0 dataset (total allele frequency: <0.001%). Predicted Consequence/Location: Missense variant In silico tool predictions suggest damaging effect of the variant on gene or gene product [REVEL: 0.85 (>=0.6, sensitivity 0.68 and specificity 0.92); 3Cnet: 0.91 (>=0.6, sensitivity 0.72 and precision 0.9)]. Therefore, this variant is classified as VUS according to the recommendation of ACMG/AMP guideline.